The following is an entry in ClinVar:

ClinVar aggregate classification (germline): Uncertain significance (1 of 4 stars; one submission).

Allele frequency attached by ClinVar (database versions not stated): gnomAD exomes below 0.00001; TOPMed below 0.00001; gnomAD 0.00001.

Submission:

Labcorp Genetics (formerly Invitae), Labcorp
Classification: Uncertain significance. Last evaluated: 2025-02-06. Review status: criteria provided, single submitter. Criteria: Invitae Variant Classification Sherloc (09022015). Collection method: clinical testing. Allele origin: germline.
Comment: This sequence change replaces glycine, which is neutral and non-polar, with valine, which is neutral and non-polar, at codon 306 of the HNF1A protein (p.Gly306Val). This variant is not present in population databases (gnomAD no frequency). This missense change has been observed in individual(s) with maturity onset diabetes of the young (PMID: 27913849; internal data). ClinVar contains an entry for this variant (Variation ID: 2855285). Invitae Evidence Modeling of protein sequence and biophysical properties (such as structural, functional, and spatial information, amino acid conservation, physicochemical variation, residue mobility, and thermodynamic stability) indicates that this missense variant is not expected to disrupt HNF1A protein function with a negative predictive value of 80%. In summary, the available evidence is currently insufficient to determine the role of this variant in disease. Therefore, it has been classified as a Variant of Uncertain Significance.

Literature cited by the submitters: PubMed 27913849.

NM_000545.8(HNF1A):c.917G>T (p.Gly306Val)

Gene: HNF1A (HNF1 homeobox A; plus strand). Cytogenetic location: 12q24.31.
Variant type: single nucleotide variant.
Coding change: c.917G>T on transcript NM_000545.8 (MANE Select); coding-DNA position 917, G replaced by T.
Protein change: p.Gly306Val; replaces glycine 306 with valine.
Molecular consequence: missense variant.
Genome position (GRCh38, 1-based): chr12:120,994,367, G>T. VCF-style: chr12-120994367-G-T. GRCh37 (hg19) VCF-style: chr12-121432170-G-T.
Other names: c.917G>T, p.Gly306Val (NM_001306179.2, NM_001406915.1); short protein forms G306V.
Identifiers: ClinVar variation 2855285 (VCV002855285.3), dbSNP rs1876984276, ClinGen allele CA386966781.